The following is an entry in ClinVar:

NC_000016.9:g.(?_9916101)_(10274268_?)dup

Gene: GRIN2A (glutamate ionotropic receptor NMDA type subunit 2A; minus strand). Cytogenetic location: 16p13.2.
Variant type: Duplication.
Identifiers: ClinVar variation 3243415 (VCV003243415.1).

ClinVar aggregate classification (germline): Uncertain significance (1 of 4 stars; one submission).

Conditions:
Landau-Kleffner syndrome (FESD). Also called: EPILEPSY, FOCAL, WITH SPEECH DISORDER AND WITH OR WITHOUT MENTAL RETARDATION; APHASIA, ACQUIRED, WITH EPILEPSY. Identifiers: Orphanet 1945, Orphanet 725, Orphanet 98818, MedGen C0282512, MONDO:0009509, OMIM 245570.

Submission:

Labcorp Genetics (formerly Invitae), Labcorp
Classification: Uncertain significance for Landau-Kleffner syndrome. Last evaluated: 2023-10-16. Review status: criteria provided, single submitter. Criteria: Invitae Variant Classification Sherloc (09022015). Collection method: clinical testing. Allele origin: unknown.
Comment: This variant results in a copy number gain of the genomic region encompassing exon(s) 3-11 of the GRIN2A gene. This region includes the initiator codon of the gene. This copy number gain extends beyond the assayed region for this gene and therefore may encompass additional genes. As the precise location of this event is unknown, it may be in tandem or it may be located elsewhere in the genome. This variant has not been reported in the literature in individuals affected with GRIN2A-related conditions. In summary, the available evidence is currently insufficient to determine the role of this variant in disease. Therefore, it has been classified as a Variant of Uncertain Significance.